The following is an entry in ClinVar:

NM_147188.3(FBXO22):c.834G>C (p.Leu278=)

Gene: FBXO22 (F-box protein 22; plus strand). Cytogenetic location: 15q24.2.
Variant type: single nucleotide variant.
Coding change: c.834G>C on transcript NM_147188.3 (MANE Select); coding-DNA position 834, G replaced by C.
Protein change: p.Leu278=; no amino-acid change (leucine 278 retained).
Molecular consequence: synonymous variant. On other transcripts: non-coding transcript variant (1).
Genome position (GRCh38, 1-based): chr15:75,932,724, G>C. VCF-style: chr15-75932724-G-C. GRCh37 (hg19) VCF-style: chr15-76225065-G-C.
Identifiers: ClinVar variation 4872710 (VCV004872710.2).

ClinVar aggregate classification (germline): Likely benign (1 of 4 stars; one submission).

gnomAD v4.1: 111 of 1,613,510 alleles (0.0069%); highest among the groups gnomAD compares: East Asian, 0.027%; no homozygotes.

Submission:

CeGaT Center for Human Genetics Tuebingen
Classification: Likely benign. Last evaluated: 2026-05-01. Review status: criteria provided, single submitter. Criteria: CeGaT Center For Human Genetics Tuebingen Variant Classification Criteria Version 2. Collection method: clinical testing. Allele origin: germline. Affected: yes. Observed: 1 variant allele.
Comment: FBXO22: BP4, BP7